The following is an entry in ClinVar:

NM_020686.6(ABAT):c.441G>C (p.Leu147Phe)

Gene: ABAT (4-aminobutyrate aminotransferase; plus strand). Cytogenetic location: 16p13.2.
Variant type: single nucleotide variant.
Coding change: c.441G>C on transcript NM_020686.6 (MANE Select); coding-DNA position 441, G replaced by C.
Protein change: p.Leu147Phe; replaces leucine 147 with phenylalanine.
Molecular consequence: missense variant.
Genome position (GRCh38, 1-based): chr16:8,764,143, G>C. VCF-style: chr16-8764143-G-C. GRCh37 (hg19) VCF-style: chr16-8858000-G-C.
Other names: c.441G>C, p.Leu147Phe (NM_000663.5, NM_001127448.2, NM_001386600.1 and 10 more transcripts); c.306G>C, p.Leu102Phe (NM_001386610.1, NM_001386611.1, NM_001386612.1 and 1 more transcripts); c.195G>C, p.Leu65Phe (NM_001386614.1); c.537G>C, p.Leu179Phe (NM_001386615.1); short protein forms L65F, L102F, L147F, L179F.
Identifiers: ClinVar variation 1521790 (VCV001521790.8), dbSNP rs747914194, ClinGen allele CA7893117.

ClinVar aggregate classification (germline): Uncertain significance (1 of 4 stars; one submission).

Conditions:
Gamma-aminobutyric acid transaminase deficiency (GABATD). Also called: GABA transaminase deficiency; Gamma aminobutyrate transaminase deficiency; 4 alpha aminobutyrate transaminase deficiency; GABA aminotransaminase deficiency. Identifiers: Orphanet 2066, MedGen C0342708, MONDO:0013166, OMIM 613163.

gnomAD v4.1: 3 of 1,613,278 alleles (0.00019%); highest among the groups gnomAD compares: South Asian, 0.0033%; no homozygotes.

Submission:

Labcorp Genetics (formerly Invitae), Labcorp
Classification: Uncertain significance for Gamma-aminobutyric acid transaminase deficiency. Last evaluated: 2021-08-04. Review status: criteria provided, single submitter. Criteria: Invitae Variant Classification Sherloc (09022015). Collection method: clinical testing. Allele origin: germline.
Comment: In summary, the available evidence is currently insufficient to determine the role of this variant in disease. Therefore, it has been classified as a Variant of Uncertain Significance. Algorithms developed to predict the effect of missense changes on protein structure and function (SIFT, PolyPhen-2, Align-GVGD) all suggest that this variant is likely to be tolerated, but these predictions have not been confirmed by published functional studies and their clinical significance is uncertain. This variant has not been reported in the literature in individuals with ABAT-related conditions. This variant is present in population databases (rs747914194, ExAC 0.006%). This sequence change replaces leucine with phenylalanine at codon 147 of the ABAT protein (p.Leu147Phe). The leucine residue is highly conserved and there is a small physicochemical difference between leucine and phenylalanine.